The following is an entry in ClinVar:

NM_017415.3(KLHL3):c.965T>G (p.Phe322Cys)

Gene: KLHL3 (kelch like family member 3; minus strand). Cytogenetic location: 5q31.2.
Variant type: single nucleotide variant.
Coding change: c.965T>G on transcript NM_017415.3 (MANE Select); coding-DNA position 965, T replaced by G.
Protein change: p.Phe322Cys; replaces phenylalanine 322 with cysteine.
Molecular consequence: missense variant.
Genome position (GRCh38, 1-based): chr5:137,639,916, A>C on the plus strand (T>G on the coding strand, the complement: KLHL3 is on the minus strand). VCF-style: chr5-137639916-A-C. GRCh37 (hg19) VCF-style: chr5-136975605-A-C.
Other names: c.869T>G, p.Phe290Cys (NM_001257194.1); c.719T>G, p.Phe240Cys (NM_001257195.2); short protein forms F322C, F290C, F240C.
Identifiers: ClinVar variation 30516 (VCV000030516.3), dbSNP rs199469639, ClinGen allele CA129301.

ClinVar aggregate classification (germline): Pathogenic. Review status: no assertion criteria provided (0 of 4 stars). 2 submissions from 2 submitters: Pathogenic (2). Last evaluated 2012-01-22.

Conditions:
Pseudohypoaldosteronism type 2D (PHA2D). Also called: Pseudohypoaldosteronism Type IID; FAMILIAL HYPERKALEMIC HYPERTENSION; PSEUDOHYPOALDOSTERONISM, TYPE IID, AUTOSOMAL DOMINANT OR RECESSIVE. Identifiers: Orphanet 300525, Orphanet 757, MedGen C3469605, MONDO:0013781, OMIM 614495.
Pseudohypoaldosteronism type 2A (PHA2A). Also called: HYPERTENSIVE HYPERKALEMIA, FAMILIAL; GORDON HYPERKALEMIA-HYPERTENSION SYNDROME. Identifiers: Orphanet 757, Orphanet 88938, MedGen C1840389, MONDO:0007772, OMIM 145260.

Submissions (2):

OMIM
Classification: Pathogenic for PSEUDOHYPOALDOSTERONISM, TYPE IID, AUTOSOMAL RECESSIVE. Last evaluated: 2012-01-22. Review status: no assertion criteria provided. Collection method: literature only. Allele origin: germline.

Richard Lifton Laboratory, Yale University School of Medicine
Classification: Pathogenic for Pseudohypoaldosteronism, type 2. Review status: no assertion criteria provided. Collection method: not provided. Allele origin: germline.
Comment: recessive;Kelch propeller domain
ClinVar note: Converted during submission from pathogenic to Pathogenic.

Literature cited by the submitters: PubMed 22266938 (cited by OMIM).